The following is an entry in ClinVar:

NM_005993.5(TBCD):c.139C>T (p.His47Tyr)

Genes: TBCD (tubulin folding cofactor D), LOC130062062 (ATAC-STARR-seq lymphoblastoid silent region 9229; plus strand). Cytogenetic location: 17q25.3.
Variant type: single nucleotide variant.
Coding change: c.139C>T on transcript NM_005993.5 (MANE Select); coding-DNA position 139, C replaced by T.
Protein change: p.His47Tyr; replaces histidine 47 with tyrosine.
Molecular consequence: missense variant.
Genome position (GRCh38, 1-based): chr17:82,752,332, C>T. VCF-style: chr17-82752332-C-T. GRCh37 (hg19) VCF-style: chr17-80710208-C-T.
Other names: c.139C>T, p.His47Tyr (NM_001411101.1, NM_001411102.1); c.139C>T (NM_005993.4); short protein forms H47Y.
Identifiers: ClinVar variation 2413705 (VCV002413705.5), dbSNP rs955360162, ClinGen allele CA295248603.

ClinVar aggregate classification (germline): Uncertain significance. Review status: criteria provided, multiple submitters, no conflicts (2 of 4 stars). 2 submissions from 2 submitters: Uncertain significance (2). Last evaluated 2025-04-03.

Conditions:
Inborn genetic diseases. Identifiers: MedGen C0950123, MeSH D030342.

Allele frequency attached by ClinVar (database versions not stated): gnomAD exomes below 0.00001; TOPMed 0.00001.

Submissions (2):

Ambry Genetics
Classification: Uncertain significance for Inborn genetic diseases. Last evaluated: 2025-04-03. Review status: criteria provided, single submitter. Criteria: Ambry Variant Classification Scheme 2023. Collection method: clinical testing. Allele origin: germline.

Labcorp Genetics (formerly Invitae), Labcorp
Classification: Uncertain significance. Last evaluated: 2022-01-16. Review status: criteria provided, single submitter. Criteria: Invitae Variant Classification Sherloc (09022015). Collection method: clinical testing. Allele origin: germline.
Comment: This sequence change replaces histidine, which is basic and polar, with tyrosine, which is neutral and polar, at codon 47 of the TBCD protein (p.His47Tyr). This variant is not present in population databases (gnomAD no frequency). This variant has not been reported in the literature in individuals affected with TBCD-related conditions. Algorithms developed to predict the effect of missense changes on protein structure and function (SIFT, PolyPhen-2, Align-GVGD) all suggest that this variant is likely to be tolerated. Algorithms developed to predict the effect of sequence changes on RNA splicing suggest that this variant may create or strengthen a splice site. In summary, the available evidence is currently insufficient to determine the role of this variant in disease. Therefore, it has been classified as a Variant of Uncertain Significance.